The following is an entry in ClinVar:

NM_206933.4(USH2A):c.6416C>T (p.Ala2139Val)

Gene: USH2A (usherin; minus strand). Cytogenetic location: 1q41.
Variant type: single nucleotide variant.
Coding change: c.6416C>T on transcript NM_206933.4 (MANE Select); coding-DNA position 6416, C replaced by T.
Protein change: p.Ala2139Val; replaces alanine 2139 with valine.
Molecular consequence: missense variant.
Genome position (GRCh38, 1-based): chr1:216,000,472, G>A on the plus strand (C>T on the coding strand, the complement: USH2A is on the minus strand). VCF-style: chr1-216000472-G-A. GRCh37 (hg19) VCF-style: chr1-216173814-G-A.
Other names: short protein forms A2139V.
Identifiers: ClinVar variation 1303624 (VCV001303624.2), dbSNP rs1235098752, ClinGen allele CA344861699.

ClinVar aggregate classification (germline): Uncertain significance (1 of 4 stars; one submission).

Allele frequency attached by ClinVar (database versions not stated): gnomAD exomes below 0.00001; TOPMed below 0.00001; gnomAD 0.00001.
gnomAD v4.1: 3 of 1,613,584 alleles (0.00019%); highest among the groups gnomAD compares: African/African-American, 0.0013%; no homozygotes.

Submission:

GeneDx
Classification: Uncertain significance. Last evaluated: 2019-05-15. Review status: criteria provided, single submitter. Criteria: GeneDx Variant Classification Process June 2021. Collection method: clinical testing. Allele origin: germline. Affected: yes.
Comment: Not observed at a significant frequency in large population cohorts (Lek et al., 2016); In silico analysis, which includes protein predictors and evolutionary conservation, supports a deleterious effect